The following is an entry in ClinVar:

ClinVar aggregate classification (germline): Uncertain significance. Review status: criteria provided, multiple submitters, no conflicts (2 of 4 stars). 2 submissions from 2 submitters: Uncertain significance (2). Last evaluated 2024-05-21.

Conditions:
Inborn genetic diseases. Identifiers: MedGen C0950123, MeSH D030342.

Allele frequency attached by ClinVar (database versions not stated): TOPMed 0.00002; ExAC 0.00003; gnomAD 0.00003; gnomAD exomes 0.00003.

Submissions (2):

Labcorp Genetics (formerly Invitae), Labcorp
Classification: Uncertain significance. Last evaluated: 2024-05-21. Review status: criteria provided, single submitter. Criteria: Invitae Variant Classification Sherloc (09022015). Collection method: clinical testing. Allele origin: germline.
Comment: This sequence change replaces arginine, which is basic and polar, with tryptophan, which is neutral and slightly polar, at codon 570 of the DLL1 protein (p.Arg570Trp). This variant is present in population databases (rs779932154, gnomAD 0.007%). This variant has not been reported in the literature in individuals affected with DLL1-related conditions. ClinVar contains an entry for this variant (Variation ID: 2467961). An algorithm developed to predict the effect of missense changes on protein structure and function (PolyPhen-2) suggests that this variant is likely to be disruptive. In summary, the available evidence is currently insufficient to determine the role of this variant in disease. Therefore, it has been classified as a Variant of Uncertain Significance.

Ambry Genetics
Classification: Uncertain significance for Inborn genetic diseases. Last evaluated: 2023-01-10. Review status: criteria provided, single submitter. Criteria: Ambry Variant Classification Scheme 2023. Collection method: clinical testing. Allele origin: germline.

NM_005618.4(DLL1):c.1708C>T (p.Arg570Trp)

Gene: DLL1 (delta like canonical Notch ligand 1; minus strand). Cytogenetic location: 6q27.
Variant type: single nucleotide variant.
Coding change: c.1708C>T on transcript NM_005618.4 (MANE Select); coding-DNA position 1708, C replaced by T.
Protein change: p.Arg570Trp; replaces arginine 570 with tryptophan.
Molecular consequence: missense variant.
Genome position (GRCh38, 1-based): chr6:170,283,571, G>A on the plus strand (C>T on the coding strand, the complement: DLL1 is on the minus strand). VCF-style: chr6-170283571-G-A. GRCh37 (hg19) VCF-style: chr6-170592659-G-A.
Other names: short protein forms R570W.
Identifiers: ClinVar variation 2467961 (VCV002467961.4), dbSNP rs779932154, ClinGen allele CA4106754.